The following is an entry in ClinVar:

NM_001365951.3(KIF1B):c.502G>C (p.Val168Leu)

Gene: KIF1B (kinesin family member 1B; plus strand). Cytogenetic location: 1p36.22.
Variant type: single nucleotide variant.
Coding change: c.502G>C on transcript NM_001365951.3 (MANE Select); coding-DNA position 502, G replaced by C.
Protein change: p.Val168Leu; replaces valine 168 with leucine.
Molecular consequence: missense variant.
Genome position (GRCh38, 1-based): chr1:10,267,452, G>C. VCF-style: chr1-10267452-G-C. GRCh37 (hg19) VCF-style: chr1-10327510-G-C.
Other names: c.502G>C, p.Val168Leu (NM_001365952.1, NM_001365953.1, NM_015074.3 and 1 more transcripts); short protein forms V168L.
Identifiers: ClinVar variation 3533935 (VCV003533935.1).

ClinVar aggregate classification (germline): Uncertain significance (1 of 4 stars; one submission).

gnomAD v4.1: 1 of 1,614,218 alleles (0.000062%); highest among the groups gnomAD compares: Non-Finnish European, 0.000085%; no homozygotes.

Submission:

Ambry Genetics
Classification: Uncertain significance. Last evaluated: 2024-07-17. Review status: criteria provided, single submitter. Criteria: Ambry Variant Classification Scheme 2023. Collection method: clinical testing. Allele origin: germline.
Comment: The p.V168L variant (also known as c.502G>C), located in coding exon 5 of the KIF1B gene, results from a G to C substitution at nucleotide position 502. The valine at codon 168 is replaced by leucine, an amino acid with highly similar properties. This amino acid position is conserved. In addition, this alteration is predicted to be deleterious by in silico analysis. Based on the available evidence, the clinical significance of this variant remains unclear.